The following is an entry in ClinVar:

NM_001130144.3(LTBP3):c.443G>A (p.Gly148Asp)

Gene: LTBP3 (latent transforming growth factor beta binding protein 3; minus strand). Cytogenetic location: 11q13.1.
Variant type: single nucleotide variant.
Coding change: c.443G>A on transcript NM_001130144.3 (MANE Select); coding-DNA position 443, G replaced by A.
Protein change: p.Gly148Asp; replaces glycine 148 with aspartic acid.
Molecular consequence: missense variant.
Genome position (GRCh38, 1-based): chr11:65,554,269, C>T on the plus strand (G>A on the coding strand, the complement: LTBP3 is on the minus strand). VCF-style: chr11-65554269-C-T. GRCh37 (hg19) VCF-style: chr11-65321740-C-T.
Other names: c.92G>A, p.Gly31Asp (NM_001164266.1); c.443G>A, p.Gly148Asp (NM_021070.4); short protein forms G148D, G31D.
Identifiers: ClinVar variation 1370449 (VCV001370449.9), dbSNP rs750578456, ClinGen allele CA6101235.
Genomic context (GRCh38, chr11:65,554,269, plus strand): 5'-GCCCCTGTGGACAGGGCCCCTGTCCTGCTCAGGCCGGGGCCTGAGCCGCCGGTACCCCCA[C>T]CGGCTCCTCCTGCGGGCACCTGGCAGAAGCGCCCAGTGAAGTCCGGGGGACACAGGCACT-3'
Protein context (NP_001123616.1, residues 138-158): RFCQVPAGGA[Gly148Asp]GGTGGSGPGL

ClinVar aggregate classification (germline): Uncertain significance. Review status: criteria provided, multiple submitters, no conflicts (2 of 4 stars). 2 submissions from 2 submitters: Uncertain significance (2). Last evaluated 2026-01-12.

Conditions:
Brachyolmia-amelogenesis imperfecta syndrome. Also called: Tooth agenesis, selective, 6; Dental anomalies and short stature; PLATYSPONDYLY WITH AMELOGENESIS IMPERFECTA. Identifiers: Orphanet 2899, MedGen C1832594, MONDO:0011018, OMIM 601216. Disease mechanism: loss of function.
Inborn genetic diseases. Identifiers: MedGen C0950123, MeSH D030342.

Allele frequency attached by ClinVar (database versions not stated): ExAC 0.00002; gnomAD exomes 0.00003 and 0.00015; TOPMed 0.00007; gnomAD 0.00009.
gnomAD v4.1: 226 of 1,610,650 alleles (0.014%); highest among the groups gnomAD compares: Non-Finnish European, 0.017%; no homozygotes.

Submissions (2):

Labcorp Genetics (formerly Invitae), Labcorp
Classification: Uncertain significance for Brachyolmia-amelogenesis imperfecta syndrome. Last evaluated: 2026-01-12. Review status: criteria provided, single submitter. Criteria: Invitae Variant Classification Sherloc (09022015). Collection method: clinical testing. Allele origin: germline.
Comment: This sequence change replaces glycine, which is neutral and non-polar, with aspartic acid, which is acidic and polar, at codon 148 of the LTBP3 protein (p.Gly148Asp). This variant is present in population databases (rs750578456, gnomAD 0.01%). This variant has not been reported in the literature in individuals affected with LTBP3-related conditions. ClinVar contains an entry for this variant (Variation ID: 1370449). An algorithm developed to predict the effect of missense changes on protein structure and function (PolyPhen-2) suggests that this variant is likely to be disruptive. In summary, the available evidence is currently insufficient to determine the role of this variant in disease. Therefore, it has been classified as a Variant of Uncertain Significance.

Ambry Genetics
Classification: Uncertain significance for Inborn genetic diseases. Last evaluated: 2024-05-10. Review status: criteria provided, single submitter. Criteria: Ambry Variant Classification Scheme 2023. Collection method: clinical testing. Allele origin: germline.